The following is an entry in ClinVar:

ClinVar aggregate classification (germline): Conflicting classifications of pathogenicity. Review status: criteria provided, conflicting classifications (1 of 4 stars). 4 submissions from 4 submitters: Pathogenic (1); Likely pathogenic (1); Uncertain significance (2). Last evaluated 2026-01-05.

Conditions:
Neurodegeneration with brain iron accumulation 5 (NBIA5). Also called: Beta-propeller protein-associated neurodegeneration; STATIC ENCEPHALOPATHY OF CHILDHOOD WITH NEURODEGENERATION IN ADULTHOOD. Identifiers: Orphanet 329284, MedGen C3550973, MONDO:0010476, OMIM 300894.
Intellectual disability. Also called: Intellectual functioning disability; Intellectual developmental disorder; intellectual disabilities. Identifiers: MedGen C3714756, MeSH D008607, MONDO:0001071, HP:0001249.

Submissions (4):

Labcorp Genetics (formerly Invitae), Labcorp
Classification: Uncertain significance for Neurodegeneration with brain iron accumulation 5. Last evaluated: 2026-01-05. Review status: criteria provided, single submitter. Criteria: Invitae Variant Classification Sherloc (09022015). Collection method: clinical testing. Allele origin: germline.
Comment: This sequence change replaces arginine, which is basic and polar, with cysteine, which is neutral and slightly polar, at codon 233 of the WDR45 protein (p.Arg233Cys). This variant is not present in population databases (gnomAD no frequency). This variant has not been reported in the literature in individuals affected with WDR45-related conditions. ClinVar contains an entry for this variant (Variation ID: 805749). Invitae Evidence Modeling of protein sequence and biophysical properties (such as structural, functional, and spatial information, amino acid conservation, physicochemical variation, residue mobility, and thermodynamic stability) indicates that this missense variant is expected to disrupt WDR45 protein function with a positive predictive value of 80%. This variant disrupts the p.Arg233 amino acid residue in WDR45. Other variant(s) that disrupt this residue have been determined to be pathogenic (internal data). This suggests that this residue is clinically significant, and that variants that disrupt this residue are likely to be disease-causing. In summary, the available evidence is currently insufficient to determine the role of this variant in disease. Therefore, it has been classified as a Variant of Uncertain Significance.

GeneDx
Classification: Pathogenic. Last evaluated: 2025-09-23. Review status: criteria provided, single submitter. Criteria: GeneDx Variant Classification Process June 2021. Collection method: clinical testing. Allele origin: germline.
Comment: Not observed at significant frequency in large population cohorts (gnomAD); In silico analysis supports that this missense variant has a deleterious effect on protein structure/function; Has not been previously published as pathogenic or benign to our knowledge; This variant is associated with the following publications: (PMID: 39627470)

Diagnostic Laboratory, Strasbourg University Hospital
Classification: Likely pathogenic for Intellectual disability. Last evaluated: 2020-09-10. Review status: criteria provided, single submitter. Criteria: ACMG Guidelines, 2015. Collection method: clinical testing. Allele origin: maternal. Affected: yes. Observed: 1 hemizygote.

Athena Diagnostics
Classification: Uncertain significance. Last evaluated: 2018-11-01. Review status: criteria provided, single submitter. Criteria: Athena Diagnostics Criteria. Collection method: clinical testing. Allele origin: germline.

NM_001029896.2(WDR45):c.694C>T (p.Arg232Cys)

Gene: WDR45 (WD repeat domain 45; minus strand). Cytogenetic location: Xp11.23.
Variant type: single nucleotide variant.
Coding change: c.694C>T on transcript NM_001029896.2 (MANE Select); coding-DNA position 694, C replaced by T.
Protein change: p.Arg232Cys; replaces arginine 232 with cysteine.
Molecular consequence: missense variant.
Genome position (GRCh38, 1-based): chrX:49,075,576, G>A on the plus strand (C>T on the coding strand, the complement: WDR45 is on the minus strand). VCF-style: chrX-49075576-G-A. GRCh37 (hg19) VCF-style: chrX-48933235-G-A.
Other names: c.697C>T, p.Arg233Cys (NM_007075.4); short protein forms R232C, R233C.
Identifiers: ClinVar variation 805749 (VCV000805749.9), dbSNP rs1602537958, ClinGen allele CA412943588.